The following is an entry in ClinVar:

ClinVar aggregate classification (germline): Benign. Review status: criteria provided, multiple submitters, no conflicts (2 of 4 stars). 3 submissions from 3 submitters: Benign (3). Last evaluated 2026-01-14.

Conditions:
Glucocorticoid deficiency 4. Also called: Glucocorticoid deficiency 4 with or without mineralocorticoid deficiency. Identifiers: Orphanet 361, MedGen C3553587, MONDO:0013874, OMIM 614736.

Allele frequency attached by ClinVar (database versions not stated): ExAC 0.00162; ESP Exome Variant Server 0.00523; TOPMed 0.00581; 1000 Genomes Project 0.00619; 1000 Genomes Project 30x 0.00625.

Submissions (5):

Labcorp Genetics (formerly Invitae), Labcorp
Classification: Benign. Last evaluated: 2026-01-14. Review status: criteria provided, single submitter. Criteria: Invitae Variant Classification Sherloc (09022015). Collection method: clinical testing. Allele origin: germline.

Centre for Mendelian Genomics, University Medical Centre Ljubljana
Classification: Benign for Glucocorticoid deficiency 4. Last evaluated: 2018-11-08. Review status: criteria provided, single submitter. Criteria: ACMG Guidelines, 2015. Collection method: clinical testing. Allele origin: unknown. Affected: yes.
Comment: This variant was classified as: Benign. The following ACMG criteria were applied in classifying this variant: BS1,BS2.

Breakthrough Genomics
Classification: Benign. Review status: criteria provided, single submitter. Criteria: ACMG Guidelines, 2015. Collection method: not provided. Allele origin: germline. Inheritance: Autosomal recessive inheritance. Affected: yes.

Dr. Peter K. Rogan Lab, Western University
No classification provided (evidence only). Condition: Gastric cancer. Review status: no classification provided. Collection method: in vitro. Allele origin: not applicable. Functional consequence: retained intron. Not counted in ClinVar's aggregate classification.

Dr. Peter K. Rogan Lab, Western University
No classification provided (evidence only). Condition: Malignant tumor of esophagus. Review status: no classification provided. Collection method: in vitro. Allele origin: not applicable. Functional consequence: retained intron. Not counted in ClinVar's aggregate classification.

NM_182977.3(NNT):c.80G>A (p.Arg27His)

Gene: NNT (nicotinamide nucleotide transhydrogenase; plus strand). Cytogenetic location: 5p12.
Variant type: single nucleotide variant.
Coding change: c.80G>A on transcript NM_182977.3 (MANE Select); coding-DNA position 80, G replaced by A.
Protein change: p.Arg27His; replaces arginine 27 with histidine.
Molecular consequence: missense variant. On other transcripts: 5 prime UTR variant (1).
Genome position (GRCh38, 1-based): chr5:43,609,275, G>A. VCF-style: chr5-43609275-G-A. GRCh37 (hg19) VCF-style: chr5-43609377-G-A.
Other names: c.-84G>A (NM_001331026.2); c.80G>A, p.Arg27His (NM_012343.4); short protein forms R27H.
Identifiers: ClinVar variation 703892 (VCV000703892.15), dbSNP rs34241095, ClinGen allele CA3257619.